The following is an entry in ClinVar:

NM_206933.4(USH2A):c.7787A>G (p.Tyr2596Cys)

Gene: USH2A (usherin; minus strand). Cytogenetic location: 1q41.
Variant type: single nucleotide variant.
Coding change: c.7787A>G on transcript NM_206933.4 (MANE Select); coding-DNA position 7787, A replaced by G.
Protein change: p.Tyr2596Cys; replaces tyrosine 2596 with cysteine.
Molecular consequence: missense variant.
Genome position (GRCh38, 1-based): chr1:215,888,862, T>C on the plus strand (A>G on the coding strand, the complement: USH2A is on the minus strand). VCF-style: chr1-215888862-T-C. GRCh37 (hg19) VCF-style: chr1-216062204-T-C.
Other names: c.7787A>G (NM_206933.2, NM_206933.3); short protein forms Y2596C.
Identifiers: ClinVar variation 1043673 (VCV001043673.15), dbSNP rs371685066, ClinGen allele CA1394744.

ClinVar aggregate classification (germline): Uncertain significance. Review status: criteria provided, multiple submitters, no conflicts (2 of 4 stars). 10 submissions from 9 submitters: Uncertain significance (9). 1 of the submissions does not count toward it. Last evaluated 2026-01-05.

Conditions:
Inborn genetic diseases. Identifiers: MedGen C0950123, MeSH D030342.
Retinal dystrophy. Also called: Inherited retinal dystrophy. Identifiers: Orphanet 71862, MedGen C0854723, MeSH D058499, MONDO:0019118, HP:0000556.
Retinitis pigmentosa 39 (RP39). Identifiers: Orphanet 791, MedGen C3151138, MONDO:0013436, OMIM 613809.
Usher syndrome type 2. Also called: Usher Syndrome Type II. Identifiers: Orphanet 231178, MedGen C0339534, MONDO:0016484.
Usher syndrome type 2A. Also called: RETINAL DISEASE IN USHER SYNDROME TYPE IIA, MODIFIER OF; USHER SYNDROME, TYPE IIA. Identifiers: Orphanet 231178, Orphanet 886, MedGen C1848634, MONDO:0010169, OMIM 276901.

Allele frequency attached by ClinVar (database versions not stated): gnomAD 0.00008; ExAC 0.00002; gnomAD exomes 0.00003 and 0.00002; ESP Exome Variant Server 0.00008; TOPMed 0.00007.
gnomAD v4.1: 73 of 1,614,152 alleles (0.0045%); highest among the groups gnomAD compares: East Asian, 0.018%; 1 homozygote.

Submissions (10):

Labcorp Genetics (formerly Invitae), Labcorp
Classification: Uncertain significance. Last evaluated: 2026-01-05. Review status: criteria provided, single submitter. Criteria: Invitae Variant Classification Sherloc (09022015). Collection method: clinical testing. Allele origin: germline.
Comment: This sequence change replaces tyrosine, which is neutral and polar, with cysteine, which is neutral and slightly polar, at codon 2596 of the USH2A protein (p.Tyr2596Cys). This variant is present in population databases (rs371685066, gnomAD 0.02%). This missense change has been observed in individual(s) with clinical features of USH2A-related conditions (internal data). ClinVar contains an entry for this variant (Variation ID: 1043673). Invitae Evidence Modeling of protein sequence and biophysical properties (such as structural, functional, and spatial information, amino acid conservation, physicochemical variation, residue mobility, and thermodynamic stability) indicates that this missense variant is expected to disrupt USH2A protein function with a positive predictive value of 95%. In summary, the available evidence is currently insufficient to determine the role of this variant in disease. Therefore, it has been classified as a Variant of Uncertain Significance.

GeneDx
Classification: Uncertain significance. Last evaluated: 2025-10-28. Review status: criteria provided, single submitter. Criteria: GeneDx Variant Classification Process June 2021. Collection method: clinical testing. Allele origin: germline.
Comment: In silico analysis supports that this missense variant has a deleterious effect on protein structure/function; Has not been previously published as pathogenic or benign to our knowledge

Blueprint Genetics
Classification: Uncertain significance. Last evaluated: 2024-11-01. Review status: criteria provided, single submitter. Criteria: ACMG Guidelines, 2015. Collection method: clinical testing. Allele origin: germline.

Ambry Genetics
Classification: Uncertain significance for Inborn genetic diseases. Last evaluated: 2024-03-18. Review status: criteria provided, single submitter. Criteria: Ambry Variant Classification Scheme 2023. Collection method: clinical testing. Allele origin: germline.

Molecular Genetics, Royal Melbourne Hospital
Classification: Uncertain significance for Usher syndrome type 2. Last evaluated: 2024-01-05. Review status: criteria provided, single submitter. Criteria: ACMG Guidelines, 2015. Collection method: clinical testing. Allele origin: germline. Inheritance: Autosomal recessive inheritance.
Comment: This sequence change in USH2A is predicted to replace tyrosine with cysteine at codon 2596, p.(Tyr2596Cys). The tyrosine residue is moderately conserved (100 vertebrates, Multiz alignments), and is located in the fibronectin type 3 domain. There is a large physicochemical difference between tyrosine and cysteine. The highest population minor allele frequency in the population database gnomAD v2.1 is 0.03% (7/24,956 alleles) in the African/African-American population, which is consistent with recessive disease. To our knowledge, this variant has not been previously reported in the relevant scientific literature. Computational evidence predicts a deleterious effect for the missense substitution (REVEL = 0.897). Based on the classification scheme RMH Modified ACMG/AMP Guidelines v1.6.1, this variant is classified as a VARIANT OF UNCERTAIN SIGNIFICANCE. Following criteria are met: PM2_Supporting, PP3

Genome-Nilou Lab
Classification: Uncertain significance for Retinitis pigmentosa 39. Last evaluated: 2023-11-04. Review status: criteria provided, single submitter. Criteria: ACMG Guidelines, 2015. Collection method: clinical testing. Allele origin: germline. Affected: no.

Genome-Nilou Lab
Classification: Uncertain significance for Usher syndrome type 2A. Last evaluated: 2023-11-04. Review status: criteria provided, single submitter. Criteria: ACMG Guidelines, 2015. Collection method: clinical testing. Allele origin: germline. Affected: no.

Dept Of Ophthalmology, Nagoya University
Classification: Uncertain significance for Retinal dystrophy. Last evaluated: 2023-10-01. Review status: criteria provided, single submitter. Criteria: Submitter's publication. Collection method: research. Allele origin: germline. Affected: yes.

Revvity Omics, Revvity
Classification: Uncertain significance. Last evaluated: 2020-03-04. Review status: criteria provided, single submitter. Criteria: ACMG Guidelines, 2015. Collection method: clinical testing. Allele origin: germline.

Natera, Inc.
Classification: Uncertain significance for Usher syndrome type 2A. Last evaluated: 2019-11-06. Review status: no assertion criteria provided. Collection method: clinical testing. Allele origin: germline. Not counted in ClinVar's aggregate classification.